The following is an entry in ClinVar:

NM_002528.7(NTHL1):c.115+10C>T

Gene: NTHL1 (nth like DNA glycosylase 1; minus strand). Cytogenetic location: 16p13.3.
Variant type: single nucleotide variant.
Coding change: c.115+10C>T on transcript NM_002528.7 (MANE Select); 10 bases into the intron after coding-DNA position 115, C replaced by T.
Molecular consequence: intron variant.
Genome position (GRCh38, 1-based): chr16:2,047,699, G>A on the plus strand (C>T on the coding strand, the complement: NTHL1 is on the minus strand). VCF-style: chr16-2047699-G-A. GRCh37 (hg19) VCF-style: chr16-2097700-G-A.
Other names: c.-64+10C>T (NM_001318194.2); c.115+10C>T (NM_001318193.2).
Identifiers: ClinVar variation 762104 (VCV000762104.14), dbSNP rs756945300, ClinGen allele CA276766615.

ClinVar aggregate classification (germline): Conflicting classifications of pathogenicity. Review status: criteria provided, conflicting classifications (1 of 4 stars). 3 submissions from 3 submitters: Uncertain significance (1); Likely benign (2). Last evaluated 2025-11-05.

Allele frequency attached by ClinVar (database versions not stated): TOPMed 0.00002.
gnomAD v4.1: 5 of 1,571,648 alleles (0.00032%); highest among the groups gnomAD compares: Non-Finnish European, 0.00026%; no homozygotes.

Submissions (3):

Labcorp Genetics (formerly Invitae), Labcorp
Classification: Likely benign. Last evaluated: 2025-11-05. Review status: criteria provided, single submitter. Criteria: Invitae Variant Classification Sherloc (09022015). Collection method: clinical testing. Allele origin: germline.

Quest Diagnostics Nichols Institute San Juan Capistrano
Classification: Uncertain significance. Last evaluated: 2025-10-16. Review status: criteria provided, single submitter. Criteria: Quest Diagnostics criteria. Collection method: clinical testing. Allele origin: unknown.
Comment: The NTHL1 c.139+10C>T variant has been reported in the published literature in an individual with gastrointestinal polyposis (PMID: 31068090 (2019)). This variant has not been reported in large, multi-ethnic general populations (Genome Aggregation Database). Analysis of this variant using software algorithms for the prediction of the effect of nucleotide changes on splicing yielded predictions that this variant does not affect NTHL1 mRNA splicing. Based on the available information, we are unable to determine the clinical significance of this variant.

Center for Genomic Medicine, Rigshospitalet, Copenhagen University Hospital
Classification: Likely benign. Last evaluated: 2025-03-04. Review status: criteria provided, single submitter. Criteria: ACMG Guidelines, 2015. Collection method: clinical testing. Allele origin: germline.

Literature cited by the submitters: PubMed 31068090 (cited by Quest Diagnostics Nichols Institute San Juan Capistrano).